The following is an entry in ClinVar:

NC_000003.12:g.169764930G>A

Genes: TERC (telomerase RNA component; minus strand), LOC110806306 (telomerase RNA component (TERC) promoter; plus strand). Cytogenetic location: 3q26.2.
Variant type: single nucleotide variant.
Genome position: GRCh38 VCF-style: chr3-169764930-G-A. GRCh37 (hg19) VCF-style: chr3-169482718-G-A.
Identifiers: ClinVar variation 1405189 (VCV001405189.8), dbSNP rs1414718271, ClinGen allele CA436715697.

ClinVar aggregate classification (germline): Uncertain significance (1 of 4 stars; one submission).

Conditions:
Dyskeratosis congenita, autosomal dominant 1 (DKCA1). Also called: Dyskeratosis congenita Scoggins type. Identifiers: Orphanet 1775, MedGen C4551974, MONDO:0007485, OMIM 127550. Inheritance: Variable.

Allele frequency attached by ClinVar (database versions not stated): gnomAD exomes below 0.00001 and 0.00001.
gnomAD v4.1: 3 of 765,366 alleles (0.00039%); highest among the groups gnomAD compares: Non-Finnish European, 0.00072%; no homozygotes.

Submission:

Labcorp Genetics (formerly Invitae), Labcorp
Classification: Uncertain significance for Dyskeratosis congenita, autosomal dominant 1. Last evaluated: 2025-06-17. Review status: criteria provided, single submitter. Criteria: Invitae Variant Classification Sherloc (09022015). Collection method: clinical testing. Allele origin: germline.
Comment: This variant occurs in the TERC gene, which encodes an RNA molecule that does not result in a protein product. The frequency data for this variant in the population databases is considered unreliable, as metrics indicate poor data quality at this position in the gnomAD database. This variant has not been reported in the literature in individuals affected with TERC-related conditions. ClinVar contains an entry for this variant (Variation ID: 1405189). This variant is located within the template/pseudoknot domain of the TERC RNA component, which is required for RNA or RNP stability (PMID: 15082312, 21844345). This variant is located in a region of TERC in which a significant number of disease causing variants have been reported (PMID: 15082312, 21844345, 21931702). These observations suggest that this may be a clinically significant region. In summary, the available evidence is currently insufficient to determine the role of this variant in disease. Therefore, it has been classified as a Variant of Uncertain Significance.

Literature cited by the submitters: PubMed 15082312; PubMed 21844345; PubMed 21931702.